The following is an entry in ClinVar:

NM_001366145.2(TRPM3):c.3593A>G (p.Asp1198Gly)

Genes: KLF9-DT (KLF9 divergent transcript; plus strand), TRPM3 (transient receptor potential cation channel subfamily M member 3; minus strand). Cytogenetic location: 9q21.12.
Variant type: single nucleotide variant.
Coding change: c.3593A>G on transcript NM_001366145.2 (MANE Select); coding-DNA position 3593, A replaced by G.
Protein change: p.Asp1198Gly; replaces aspartic acid 1198 with glycine.
Molecular consequence: missense variant.
Genome position (GRCh38, 1-based): chr9:70,549,656, T>C on the plus strand (A>G on the coding strand, the complement: TRPM3 is on the minus strand). VCF-style: chr9-70549656-T-C. GRCh37 (hg19) VCF-style: chr9-73164572-T-C.
Other names: c.3557A>G, p.Asp1186Gly (NM_001007471.4, NM_001366151.2); c.3563A>G, p.Asp1188Gly (NM_001366141.2, NM_001366143.2, NM_001366149.2); c.3599A>G, p.Asp1200Gly (NM_001366142.2); c.3593A>G, p.Asp1198Gly (NM_001366146.2); c.3668A>G, p.Asp1223Gly (NM_001366147.2, NM_001366152.2); c.3638A>G, p.Asp1213Gly (NM_001366148.2); c.3527A>G, p.Asp1176Gly (NM_001366150.2); c.3134A>G, p.Asp1045Gly (NM_001366154.2, NM_024971.7); and 5 more; short protein forms D1023G, D1033G, D1035G, D1045G, D1048G, D1058G, D1176G, D1186G.
Identifiers: ClinVar variation 3361237 (VCV003361237.1).

ClinVar aggregate classification (germline): Uncertain significance (1 of 4 stars; one submission).

Submission:

GeneDx
Classification: Uncertain significance. Last evaluated: 2023-07-21. Review status: criteria provided, single submitter. Criteria: GeneDx Variant Classification Process June 2021. Collection method: clinical testing. Allele origin: germline. Affected: yes.
Comment: Not observed at significant frequency in large population cohorts (gnomAD); In silico analysis supports that this missense variant has a deleterious effect on protein structure/function; Has not been previously published as pathogenic or benign to our knowledge